The following is an entry in ClinVar:

NM_002878.4(RAD51D):c.195C>T (p.Pro65=)

Genes: RAD51D (RAD51 paralog D; minus strand), RAD51L3-RFFL (RAD51L3-RFFL readthrough; minus strand). Cytogenetic location: 17q12.
Variant type: single nucleotide variant.
Coding change: c.195C>T on transcript NM_002878.4 (MANE Select); coding-DNA position 195, C replaced by T.
Protein change: p.Pro65=; no amino-acid change (proline 65 retained).
Molecular consequence: synonymous variant. On other transcripts: intron variant (2).
Genome position (GRCh38, 1-based): chr17:35,118,569, G>A on the plus strand (C>T on the coding strand, the complement: RAD51D is on the minus strand). VCF-style: chr17-35118569-G-A. GRCh37 (hg19) VCF-style: chr17-33445588-G-A.
Other names: c.144+542C>T (NM_133629.3, NM_001142571.2).
Identifiers: ClinVar variation 230698 (VCV000230698.21), dbSNP rs376616485, ClinGen allele CA8499629.
Genomic context (GRCh38, chr17:35,118,569, plus strand): 5'-GCCAGTGGACAGGATGGCAGTGGAGGTCTTCAGTTCCTCGTAGAGATCAGCGCCATTCAC[G>A]GGGAAAGCCGAGAACTGAGCCAGCAGCACCCGCCTCAGGGCAACCAGGGCCTGCCAAAGG-3'
Protein context (NP_002869.3, residues 55-75): RVLLAQFSAF[Pro65=]VNGADLYEEL

ClinVar aggregate classification (germline): Benign/Likely benign. Review status: criteria provided, multiple submitters, no conflicts (2 of 4 stars). 7 submissions from 7 submitters: Benign (1); Likely benign (6). Last evaluated 2026-08-15.

Conditions:
RAD51D-related disorder. Also called: RAD51D-related condition.
Hereditary cancer-predisposing syndrome. Also called: Neoplastic Syndromes, Hereditary; Tumor predisposition; Hereditary Cancer Syndrome; Hereditary neoplastic syndrome. Identifiers: Orphanet 140162, MedGen C0027672, MeSH D009386, MONDO:0015356.
Breast-ovarian cancer, familial, susceptibility to, 4. Identifiers: Orphanet 145, MedGen C3280345, MONDO:0013669, OMIM 614291.

Allele frequency attached by ClinVar (database versions not stated): gnomAD 0.00003; ExAC 0.00004; TOPMed 0.00005; ESP Exome Variant Server 0.00008.
gnomAD v4.1: 24 of 1,614,070 alleles (0.0015%); highest among the groups gnomAD compares: African/African-American, 0.0067%; no homozygotes.

Submissions (7):

PreventionGenetics, part of Exact Sciences
Classification: Likely benign for RAD51D-related condition. Last evaluated: 2026-08-15. Review status: criteria provided, single submitter. Criteria: ACMG Guidelines, 2015. Collection method: clinical testing. Allele origin: germline.
Comment: This variant is classified as likely benign based on ACMG/AMP sequence variant interpretation guidelines (Richards et al. 2015 PMID: 25741868, with internal and published modifications).

Labcorp Genetics (formerly Invitae), Labcorp
Classification: Likely benign for Breast-ovarian cancer, familial, susceptibility to, 4. Last evaluated: 2026-01-12. Review status: criteria provided, single submitter. Criteria: Invitae Variant Classification Sherloc (09022015). Collection method: clinical testing. Allele origin: germline.

Myriad Genetics, Inc.
Classification: Benign for Breast-ovarian cancer, familial, susceptibility to, 4. Last evaluated: 2025-02-20. Review status: criteria provided, single submitter. Criteria: Myriad Autosomal Dominant, Autosomal Recessive and X-Linked Classification Criteria (2023). Collection method: clinical testing. Allele origin: unknown.
Comment: This variant is considered benign. This variant is a silent/synonymous amino acid change and it is not expected to impact splicing.

Sema4
Classification: Likely benign for Hereditary cancer-predisposing syndrome. Last evaluated: 2021-02-09. Review status: criteria provided, single submitter. Criteria: Sema4 Curation Guidelines. Collection method: curation. Allele origin: germline.

GeneDx
Classification: Likely benign. Last evaluated: 2019-06-18. Review status: criteria provided, single submitter. Criteria: GeneDx Variant Classification Process June 2021. Collection method: clinical testing. Allele origin: germline. Affected: yes.

Color Diagnostics, LLC DBA Color Health
Classification: Likely benign for Hereditary cancer-predisposing syndrome. Last evaluated: 2016-04-11. Review status: criteria provided, single submitter. Criteria: ACMG Guidelines, 2015. Collection method: clinical testing. Allele origin: germline.

Ambry Genetics
Classification: Likely benign for Hereditary cancer-predisposing syndrome. Last evaluated: 2015-03-05. Review status: criteria provided, single submitter. Criteria: Ambry Variant Classification Scheme 2023. Collection method: clinical testing. Allele origin: germline.